The following is an entry in ClinVar:

ClinVar aggregate classification (germline): Likely pathogenic (1 of 4 stars; one submission).

Conditions:
Desbuquois dysplasia 1 (DBQD1). Also called: MICROMELIC DWARFISM WITH VERTEBRAL AND METAPHYSEAL ABNORMALITIES AND ADVANCED CARPOTARSAL OSSIFICATION; DESBUQUOIS DYSPLASIA 1, KIM VARIANT. Identifiers: Orphanet 1425, MedGen C4012146, MONDO:0009629, OMIM 251450.
Epiphyseal dysplasia, multiple, 7. Identifiers: Orphanet 647676, MedGen C4540251, MONDO:0054680, OMIM 617719.

Submission:

Juno Genomics, Hangzhou Juno Genomics, Inc
Classification: Likely pathogenic for Desbuquois dysplasia 1; Epiphyseal dysplasia, multiple, 7. Review status: criteria provided, single submitter. Criteria: ACMG Guidelines, 2015. Collection method: clinical testing. Allele origin: germline.
Comment: Absent from controls (or at extremely low frequency if recessive) in Genome Aggregation Database.;Null variant in a gene where loss of function (LOF) is a known mechanism of disease.

NM_001159773.2(CANT1):c.693_694insC (p.Glu232fs)

Gene: CANT1 (calcium activated nucleotidase 1; minus strand). Cytogenetic location: 17q25.3.
Variant type: Insertion.
Coding change: c.693_694insC on transcript NM_001159773.2 (MANE Select); coding-DNA positions 693 to 694, C inserted.
Protein change: p.Glu232fs; shifts the reading frame from glutamic acid 232.
Molecular consequence: frameshift variant.
Genome position: GRCh38 VCF-style: chr17-78995159-C-CG. GRCh37 (hg19) VCF-style: chr17-76991241-C-CG.
Other names: c.693_694insC, p.Glu232fs (NM_001159772.2, NM_138793.4); short protein forms E232fs.
Identifiers: ClinVar variation 5018685 (VCV005018685.2).